The following is an entry in ClinVar:

NM_017534.6(MYH2):c.1300G>A (p.Val434Ile)

Genes: MYHAS (myosin heavy chain gene cluster antisense RNA; plus strand), MYH2 (myosin heavy chain 2; minus strand). Cytogenetic location: 17p13.1.
Variant type: single nucleotide variant.
Coding change: c.1300G>A on transcript NM_017534.6 (MANE Select); coding-DNA position 1300, G replaced by A.
Protein change: p.Val434Ile; replaces valine 434 with isoleucine.
Molecular consequence: missense variant.
Genome position (GRCh38, 1-based): chr17:10,539,321, C>T on the plus strand (G>A on the coding strand, the complement: MYH2 is on the minus strand). VCF-style: chr17-10539321-C-T. GRCh37 (hg19) VCF-style: chr17-10442638-C-T.
Other names: c.1300G>A, p.Val434Ile (NM_001100112.2); short protein forms V434I.
Identifiers: ClinVar variation 856967 (VCV000856967.9), dbSNP rs143204063, ClinGen allele CA8391393.

ClinVar aggregate classification (germline): Conflicting classifications of pathogenicity. Review status: criteria provided, conflicting classifications (1 of 4 stars). 2 submissions from 2 submitters: Uncertain significance (1); Likely benign (1). Last evaluated 2026-01-19.

Conditions:
Myopathy, proximal, and ophthalmoplegia (CMYO6). Also called: CONGENITAL MYOPATHY 6 WITH OPHTHALMOPLEGIA; MYOPATHY WITH CONGENITAL JOINT CONTRACTURES, OPHTHALMOPLEGIA, AND RIMMED VACUOLES; INCLUSION BODY MYOPATHY 3, AUTOSOMAL DOMINANT. Identifiers: Orphanet 363677, Orphanet 79091, MedGen C1854106, MONDO:0011577, OMIM 605637.

Allele frequency attached by ClinVar (database versions not stated): gnomAD exomes 0.00007 and 0.00016; gnomAD 0.00014 and 0.00015; ESP Exome Variant Server 0.00015; ExAC 0.00019; TOPMed 0.00022; 1000 Genomes Project 0.00040; 1000 Genomes Project 30x 0.00062.
gnomAD v4.1: 121 of 1,614,212 alleles (0.0075%); highest among the groups gnomAD compares: Middle Eastern, 0.082%; no homozygotes.

Submissions (2):

Labcorp Genetics (formerly Invitae), Labcorp
Classification: Uncertain significance for Myopathy, proximal, and ophthalmoplegia. Last evaluated: 2026-01-19. Review status: criteria provided, single submitter. Criteria: Invitae Variant Classification Sherloc (09022015). Collection method: clinical testing. Allele origin: germline.
Comment: This sequence change replaces valine, which is neutral and non-polar, with isoleucine, which is neutral and non-polar, at codon 434 of the MYH2 protein (p.Val434Ile). This variant is present in population databases (rs143204063, gnomAD 0.09%). This variant has not been reported in the literature in individuals affected with MYH2-related conditions. ClinVar contains an entry for this variant (Variation ID: 856967). Invitae Evidence Modeling of protein sequence and biophysical properties (such as structural, functional, and spatial information, amino acid conservation, physicochemical variation, residue mobility, and thermodynamic stability) indicates that this missense variant is not expected to disrupt MYH2 protein function with a negative predictive value of 80%. In summary, the available evidence is currently insufficient to determine the role of this variant in disease. Therefore, it has been classified as a Variant of Uncertain Significance.

Revvity Omics, Revvity
Classification: Likely benign for Myopathy, proximal, and ophthalmoplegia. Last evaluated: 2025-03-18. Review status: criteria provided, single submitter. Criteria: ACMG Guidelines, 2015. Collection method: clinical testing. Allele origin: germline.